The following is an entry in ClinVar:

NM_001378454.1(ALMS1):c.10816C>T (p.Arg3606Trp)

Gene: ALMS1 (ALMS1 centrosome and basal body associated protein; plus strand). Cytogenetic location: 2p13.1.
Variant type: single nucleotide variant.
Coding change: c.10816C>T on transcript NM_001378454.1 (MANE Select); coding-DNA position 10816, C replaced by T.
Protein change: p.Arg3606Trp; replaces arginine 3606 with tryptophan.
Molecular consequence: missense variant.
Genome position (GRCh38, 1-based): chr2:73,572,693, C>T. VCF-style: chr2-73572693-C-T. GRCh37 (hg19) VCF-style: chr2-73799820-C-T.
Other names: c.10819C>T, p.Arg3607Trp (NM_015120.4); short protein forms R3606W, R3607W.
Identifiers: ClinVar variation 1213956 (VCV001213956.9), dbSNP rs1250097723, ClinGen allele CA347285669.

ClinVar aggregate classification (germline): Pathogenic/Likely pathogenic. Review status: criteria provided, multiple submitters, no conflicts (2 of 4 stars). 3 submissions from 3 submitters: Pathogenic (2); Likely pathogenic (1). Last evaluated 2025-02-11.

Conditions:
Leber congenital amaurosis (LCA). Also called: Leber's amaurosis. Identifiers: Orphanet 65, MedGen C0339527, MeSH D057130, MONDO:0018998.
Alstrom syndrome (ALMS). Identifiers: Orphanet 64, MedGen C0268425, MONDO:0008763, OMIM 203800.

Allele frequency attached by ClinVar (database versions not stated): gnomAD 0.00001.
gnomAD v4.1: 4 of 1,613,896 alleles (0.00025%); highest among the groups gnomAD compares: African/African-American, 0.0013%; no homozygotes.

Submissions (3):

Labcorp Genetics (formerly Invitae), Labcorp
Classification: Pathogenic for Alstrom syndrome. Last evaluated: 2025-02-11. Review status: criteria provided, single submitter. Criteria: Invitae Variant Classification Sherloc (09022015). Collection method: clinical testing. Allele origin: germline.
Comment: This sequence change replaces arginine, which is basic and polar, with tryptophan, which is neutral and slightly polar, at codon 3607 of the ALMS1 protein (p.Arg3607Trp). This variant is present in population databases (no rsID available, gnomAD 0.007%). This missense change has been observed in individual(s) with Alström syndrome and/or Leber congenital amaurosis (PMID: 26633542, 31630094, 31755649, 32531870, 36162988). In at least one individual the data is consistent with being in trans (on the opposite chromosome) from a pathogenic variant. It has also been observed to segregate with disease in related individuals. This variant is also known as p.R3607* . ClinVar contains an entry for this variant (Variation ID: 1213956). Experimental studies and prediction algorithms are not available or were not evaluated, and the functional significance of this variant is currently unknown. For these reasons, this variant has been classified as Pathogenic.

Natera, Inc.
Classification: Likely pathogenic for Alstrom syndrome. Last evaluated: 2024-06-01. Review status: criteria provided, single submitter. Criteria: Natera Variant Classification Schema (03/2026). Collection method: clinical testing. Allele origin: germline.
Comment: The c.10819C>T variant in ALMS1 is a missense variant predicted to cause substitution of arginine to tryptophan at amino acid 3607. This variant is rare in the general population with a frequency below the threshold expected for the associated phenotype(s). This variant has been observed in one or more individuals affected with the associated recessive disease, as either homozygous or compound heterozygous with a second variant (PMID: 36206858, 36162988). Additionally, this variant has been observed to segregate in affected family members (PMID: 36162988). Computational prediction algorithms indicate this variant is likely to affect gene or protein function. Given the available evidence, this variant is classified as Likely Pathogenic.

DBGen Ocular Genomics
Classification: Pathogenic for Leber congenital amaurosis. Last evaluated: 2021-05-31. Review status: criteria provided, single submitter. Criteria: ACMG Guidelines, 2015. Collection method: clinical testing. Allele origin: germline. Affected: yes. Observed: 1 variant allele.

Literature cited by the submitters: PubMed 26633542 (cited by Labcorp Genetics (formerly Invitae), Labcorp); PubMed 31630094 (cited by Labcorp Genetics (formerly Invitae), Labcorp); PubMed 31755649 (cited by Labcorp Genetics (formerly Invitae), Labcorp); PubMed 32531870 (cited by Labcorp Genetics (formerly Invitae), Labcorp); PubMed 36162988 (cited by Labcorp Genetics (formerly Invitae), Labcorp and Natera, Inc.); PubMed 36206858 (cited by Natera, Inc.).